The following is an entry in ClinVar:

ClinVar aggregate classification (germline): Uncertain significance (1 of 4 stars; one submission).

Submission:

Ambry Genetics
Classification: Uncertain significance. Last evaluated: 2024-02-02. Review status: criteria provided, single submitter. Criteria: Ambry Variant Classification Scheme 2023. Collection method: clinical testing. Allele origin: germline.
Comment: The p.A45D variant (also known as c.134C>A), located in coding exon 1 of the GALNT12 gene, results from a C to A substitution at nucleotide position 134. The alanine at codon 45 is replaced by aspartic acid, an amino acid with dissimilar properties. This amino acid position is conserved. In addition, this alteration is predicted to be tolerated by in silico analysis. Based on the available evidence, the clinical significance of this alteration remains unclear.

NM_024642.5(GALNT12):c.134C>A (p.Ala45Asp)

Gene: GALNT12 (polypeptide N-acetylgalactosaminyltransferase 12; plus strand). Cytogenetic location: 9q22.33.
Variant type: single nucleotide variant.
Coding change: c.134C>A on transcript NM_024642.5 (MANE Select); coding-DNA position 134, C replaced by A.
Protein change: p.Ala45Asp; replaces alanine 45 with aspartic acid.
Molecular consequence: missense variant.
Genome position (GRCh38, 1-based): chr9:98,807,832, C>A. VCF-style: chr9-98807832-C-A. GRCh37 (hg19) VCF-style: chr9-101570114-C-A.
Other names: short protein forms A45D.
Identifiers: ClinVar variation 3227915 (VCV003227915.1), dbSNP rs1588436153, ClinGen allele CA374222364.
Genomic context (GRCh38, chr9:98,807,832, plus strand): 5'-TGGCGCTACTGGCGTTGGCCGGGCTGGGCTCGGTGCTGCGGGCGCAGCGTGGGGCCGGGG[C>A]CGGGGCTGCCGAGCCGGGACCCCCGCGCACCCCGCGCCCCGGGCGGCGCGAGCCGGTCAT-3'
Protein context (NP_078918.3, residues 35-55): SVLRAQRGAG[Ala45Asp]GAAEPGPPRT